The following is an entry in ClinVar:

NM_000217.3(KCNA1):c.1287C>G (p.His429Gln)

Gene: KCNA1 (potassium voltage-gated channel subfamily A member 1; plus strand). Cytogenetic location: 12p13.32.
Variant type: single nucleotide variant.
Coding change: c.1287C>G on transcript NM_000217.3 (MANE Select); coding-DNA position 1287, C replaced by G.
Protein change: p.His429Gln; replaces histidine 429 with glutamine.
Molecular consequence: missense variant.
Genome position (GRCh38, 1-based): chr12:4,912,665, C>G. VCF-style: chr12-4912665-C-G. GRCh37 (hg19) VCF-style: chr12-5021831-C-G.
Other names: short protein forms H429Q.
Identifiers: ClinVar variation 1059224 (VCV001059224.9), dbSNP rs756549028, ClinGen allele CA383456448.
Genomic context (GRCh38, chr12:4,912,665, plus strand): 5'-CAATTTCAACTATTTCTACCACCGAGAAACTGAGGGGGAAGAGCAGGCTCAGTTGCTCCA[C>G]GTCAGTTCCCCTAACTTAGCCTCTGACAGTGACCTCAGTCGCCGCAGTTCCTCTACTATG-3'
Protein context (NP_000208.2, residues 419-439): TEGEEQAQLL[His429Gln]VSSPNLASDS

ClinVar aggregate classification (germline): Uncertain significance (1 of 4 stars; one submission).

Conditions:
Episodic ataxia type 1 (EA1). Also called: MYOKYMIA WITH PERIODIC ATAXIA; PAROXYSMAL ATAXIA WITH NEUROMYOTONIA, HEREDITARY; ATAXIA, EPISODIC, WITH MYOKYMIA; Episodic ataxia/myokymia syndrome. Identifiers: Orphanet 37612, Orphanet 972, MedGen C1719788, MONDO:0008047, OMIM 160120.

Submission:

Labcorp Genetics (formerly Invitae), Labcorp
Classification: Uncertain significance for Episodic ataxia type 1. Last evaluated: 2022-01-10. Review status: criteria provided, single submitter. Criteria: Invitae Variant Classification Sherloc (09022015). Collection method: clinical testing. Allele origin: germline.
Comment: In summary, the available evidence is currently insufficient to determine the role of this variant in disease. Therefore, it has been classified as a Variant of Uncertain Significance. Advanced modeling of protein sequence and biophysical properties (such as structural, functional, and spatial information, amino acid conservation, physicochemical variation, residue mobility, and thermodynamic stability) performed at Invitae indicates that this missense variant is not expected to disrupt KCNA1 protein function. This sequence change replaces histidine, which is basic and polar, with glutamine, which is neutral and polar, at codon 429 of the KCNA1 protein (p.His429Gln). This variant is not present in population databases (gnomAD no frequency). This variant has not been reported in the literature in individuals affected with KCNA1-related conditions. ClinVar contains an entry for this variant (Variation ID: 1059224). Algorithms developed to predict the effect of sequence changes on RNA splicing suggest that this variant may create or strengthen a splice site.